The following is an entry in ClinVar:

NM_007227.3(GPR45):c.682C>T (p.Arg228Cys)

Gene: GPR45 (G protein-coupled receptor 45; plus strand). Cytogenetic location: 2q12.1.
Variant type: single nucleotide variant.
Coding change: c.682C>T on transcript NM_007227.3 (MANE Select); coding-DNA position 682, C replaced by T.
Protein change: p.Arg228Cys; replaces arginine 228 with cysteine.
Molecular consequence: missense variant.
Genome position (GRCh38, 1-based): chr2:105,242,540, C>T. VCF-style: chr2-105242540-C-T. GRCh37 (hg19) VCF-style: chr2-105858997-C-T.
Other names: short protein forms R228C.
Identifiers: ClinVar variation 1427954 (VCV001427954.6), dbSNP rs750129453, ClinGen allele CA1813638.

ClinVar aggregate classification (germline): Uncertain significance (1 of 4 stars; one submission).

Allele frequency attached by ClinVar (database versions not stated): gnomAD exomes below 0.00001; ExAC 0.00001; gnomAD 0.00001; TOPMed 0.00005.
gnomAD v4.1: 7 of 1,607,680 alleles (0.00044%); highest among the groups gnomAD compares: African/African-American, 0.004%; no homozygotes.

Submission:

Labcorp Genetics (formerly Invitae), Labcorp
Classification: Uncertain significance. Last evaluated: 2024-10-15. Review status: criteria provided, single submitter. Criteria: Invitae Variant Classification Sherloc (09022015). Collection method: clinical testing. Allele origin: germline.
Comment: This sequence change replaces arginine, which is basic and polar, with cysteine, which is neutral and slightly polar, at codon 228 of the GPR45 protein (p.Arg228Cys). This variant is present in population databases (rs750129453, gnomAD 0.004%). This variant has not been reported in the literature in individuals affected with GPR45-related conditions. ClinVar contains an entry for this variant (Variation ID: 1427954). An algorithm developed to predict the effect of missense changes on protein structure and function (PolyPhen-2) suggests that this variant is likely to be disruptive. In summary, the available evidence is currently insufficient to determine the role of this variant in disease. Therefore, it has been classified as a Variant of Uncertain Significance.